The following is an entry in ClinVar:

NM_001029883.3(PCARE):c.2953G>A (p.Glu985Lys)

Gene: PCARE (photoreceptor cilium actin regulator; minus strand). Cytogenetic location: 2p23.2.
Variant type: single nucleotide variant.
Coding change: c.2953G>A on transcript NM_001029883.3 (MANE Select); coding-DNA position 2953, G replaced by A.
Protein change: p.Glu985Lys; replaces glutamic acid 985 with lysine.
Molecular consequence: missense variant.
Genome position (GRCh38, 1-based): chr2:29,071,309, C>T on the plus strand (G>A on the coding strand, the complement: PCARE is on the minus strand). VCF-style: chr2-29071309-C-T. GRCh37 (hg19) VCF-style: chr2-29294175-C-T.
Other names: short protein forms E985K.
Identifiers: ClinVar variation 1523882 (VCV001523882.6), dbSNP rs1226427738, ClinGen allele CA346476087.

ClinVar aggregate classification (germline): Uncertain significance (1 of 4 stars; one submission).

gnomAD v4.1: 1 of 1,613,498 alleles (0.000062%); highest among the groups gnomAD compares: African/African-American, 0.0013%; no homozygotes.

Submission:

Labcorp Genetics (formerly Invitae), Labcorp
Classification: Uncertain significance. Last evaluated: 2021-08-03. Review status: criteria provided, single submitter. Criteria: Invitae Variant Classification Sherloc (09022015). Collection method: clinical testing. Allele origin: germline.
Comment: In summary, the available evidence is currently insufficient to determine the role of this variant in disease. Therefore, it has been classified as a Variant of Uncertain Significance. Algorithms developed to predict the effect of missense changes on protein structure and function are either unavailable or do not agree on the potential impact of this missense change (SIFT: "Deleterious"; PolyPhen-2: "Possibly Damaging"; Align-GVGD: "Class C15"). This variant has not been reported in the literature in individuals affected with PCARE-related conditions. This variant is not present in population databases (ExAC no frequency). This sequence change replaces glutamic acid with lysine at codon 985 of the PCARE protein (p.Glu985Lys). The glutamic acid residue is highly conserved and there is a small physicochemical difference between glutamic acid and lysine.